The following is an entry in ClinVar:

NM_001044385.3(TMEM237):c.1183G>A (p.Glu395Lys)

Gene: TMEM237 (transmembrane protein 237; minus strand). Cytogenetic location: 2q33.1.
Variant type: single nucleotide variant.
Coding change: c.1183G>A on transcript NM_001044385.3 (MANE Select); coding-DNA position 1183, G replaced by A.
Protein change: p.Glu395Lys; replaces glutamic acid 395 with lysine.
Molecular consequence: missense variant.
Genome position (GRCh38, 1-based): chr2:201,624,299, C>T on the plus strand (G>A on the coding strand, the complement: TMEM237 is on the minus strand). VCF-style: chr2-201624299-C-T. GRCh37 (hg19) VCF-style: chr2-202489022-C-T.
Other names: c.1159G>A, p.Glu387Lys (NM_152388.4); short protein forms E387K, E395K.
Identifiers: ClinVar variation 840781 (VCV000840781.9), dbSNP rs373445814, ClinGen allele CA2056274.

ClinVar aggregate classification (germline): Uncertain significance (1 of 4 stars; one submission).

Conditions:
Joubert syndrome 14 (JBTS14). Identifiers: MedGen C3280766, MONDO:0013745, OMIM 614424.

Allele frequency attached by ClinVar (database versions not stated): ExAC 0.00001; gnomAD 0.00001; gnomAD exomes 0.00001 and 0.00003; TOPMed 0.00001; ESP Exome Variant Server 0.00008.
gnomAD v4.1: 45 of 1,612,146 alleles (0.0028%); highest among the groups gnomAD compares: Non-Finnish European, 0.0036%; no homozygotes.

Submission:

Labcorp Genetics (formerly Invitae), Labcorp
Classification: Uncertain significance for Joubert syndrome 14. Last evaluated: 2020-03-03. Review status: criteria provided, single submitter. Criteria: Invitae Variant Classification Sherloc (09022015). Collection method: clinical testing. Allele origin: germline.
Comment: This variant is present in population databases (rs373445814, ExAC 0.01%). In summary, the available evidence is currently insufficient to determine the role of this variant in disease. Therefore, it has been classified as a Variant of Uncertain Significance. Algorithms developed to predict the effect of missense changes on protein structure and function are either unavailable or do not agree on the potential impact of this missense change (SIFT: "Deleterious"; PolyPhen-2: "Possibly Damaging"; Align-GVGD: "Class C0"). This variant has not been reported in the literature in individuals with TMEM237-related conditions. This sequence change replaces glutamic acid with lysine at codon 395 of the TMEM237 protein (p.Glu395Lys). The glutamic acid residue is moderately conserved and there is a small physicochemical difference between glutamic acid and lysine.